The following is an entry in ClinVar:

NM_000384.3(APOB):c.10982T>A (p.Ile3661Asn)

Gene: APOB (apolipoprotein B; minus strand). Cytogenetic location: 2p24.1.
Variant type: single nucleotide variant.
Coding change: c.10982T>A on transcript NM_000384.3 (MANE Select); coding-DNA position 10982, T replaced by A.
Protein change: p.Ile3661Asn; replaces isoleucine 3661 with asparagine.
Molecular consequence: missense variant.
Genome position (GRCh38, 1-based): chr2:21,005,886, A>T on the plus strand (T>A on the coding strand, the complement: APOB is on the minus strand). VCF-style: chr2-21005886-A-T. GRCh37 (hg19) VCF-style: chr2-21228758-A-T.
Other names: short protein forms I3661N.
Identifiers: ClinVar variation 3231360 (VCV003231360.1), dbSNP rs377425803, ClinGen allele CA345984118.

ClinVar aggregate classification (germline): Uncertain significance (1 of 4 stars; one submission).

Conditions:
Cardiovascular phenotype. Identifiers: MedGen CN230736.

gnomAD v4.1: 1 of 1,614,008 alleles (0.000062%); highest among the groups gnomAD compares: Non-Finnish European, 0.000085%; no homozygotes.

Submission:

Ambry Genetics
Classification: Uncertain significance for Cardiovascular phenotype. Last evaluated: 2023-10-05. Review status: criteria provided, single submitter. Criteria: Ambry Variant Classification Scheme 2023. Collection method: clinical testing. Allele origin: germline.
Comment: The p.I3661N variant (also known as c.10982T>A), located in coding exon 26 of the APOB gene, results from a T to A substitution at nucleotide position 10982. The isoleucine at codon 3661 is replaced by asparagine, an amino acid with dissimilar properties. This amino acid position is conserved. In addition, this alteration is predicted to be tolerated by in silico analysis. Since supporting evidence is limited at this time, the clinical significance of this alteration remains unclear.